The following is an entry in ClinVar:

NM_000368.5(TSC1):c.1951del (p.Arg651fs)

Gene: TSC1 (TSC complex subunit 1; minus strand). Cytogenetic location: 9q34.13.
Variant type: Deletion.
Coding change: c.1951del on transcript NM_000368.5 (MANE Select); coding-DNA position 1951, one base deleted (A; older notation c.1951delA).
Protein change: p.Arg651fs; shifts the reading frame from arginine 651.
Molecular consequence: frameshift variant.
Genome position (GRCh38, 1-based): chr9:132,905,627, T deleted on the plus strand (A on the coding strand, the reverse complement: TSC1 is on the minus strand). VCF-style (leftmost placement, unchanged base first): chr9-132905626-CT-C. GRCh37 (hg19) VCF-style: chr9-135781013-CT-C.
Other names: c.1948del, p.Arg650fs (NM_001162426.2); c.1798del, p.Arg600fs (NM_001162427.2); c.1588del, p.Arg530fs (NM_001362177.2); c.1951delA, p.Arg651Aspfs (NM_001406592.1, NM_001406593.1, NM_001406594.1 and 7 more transcripts); c.1948delA, p.Arg650Aspfs (NM_001406597.1, NM_001406598.1, NM_001406599.1 and 5 more transcripts); c.1798delA, p.Arg600Aspfs (NM_001406610.1); c.1795delA, p.Arg599Aspfs (NM_001406611.1, NM_001406612.1, NM_001406613.1); c.1588delA, p.Arg530Aspfs (NM_001406614.1, NM_001406615.1, NM_001406616.1 and 4 more transcripts); and 4 more; short protein forms R530fs, R600fs, R650fs, R651fs.
Identifiers: ClinVar variation 2104501 (VCV002104501.4), dbSNP rs2538701649, ClinGen allele CA2580079898.
Genomic context (GRCh38, chr9:132,905,626, plus strand): 5'-GCCCCAGTCCCTTACTTGTTCAGCTCCTTGCTGTGCGCGTCTGCTCCCTGCTGTATCAGT[CT>C]GTCCAGCACTTCCATTGGGGAGGTAGAGGGCACACCATCTTCCTCTGTGTTTCCTTTTGC-3'

ClinVar aggregate classification (germline): Pathogenic (1 of 4 stars; one submission).

Conditions:
Tuberous sclerosis 1 (TSC1). Identifiers: Orphanet 805, MedGen C1854465, MONDO:0008612, OMIM 191100.

Submission:

Labcorp Genetics (formerly Invitae), Labcorp
Classification: Pathogenic for Tuberous sclerosis 1. Last evaluated: 2022-02-28. Review status: criteria provided, single submitter. Criteria: Invitae Variant Classification Sherloc (09022015). Collection method: clinical testing. Allele origin: germline.
Comment: For these reasons, this variant has been classified as Pathogenic. This variant has not been reported in the literature in individuals affected with TSC1-related conditions. This variant is not present in population databases (gnomAD no frequency). This sequence change creates a premature translational stop signal (p.Arg651Aspfs*2) in the TSC1 gene. It is expected to result in an absent or disrupted protein product. Loss-of-function variants in TSC1 are known to be pathogenic (PMID: 10227394, 17304050).

Literature cited by the submitters: PubMed 10227394; PubMed 17304050.